The following is an entry in ClinVar:

NM_006904.7(PRKDC):c.10909G>A (p.Gly3637Arg)

Gene: PRKDC (protein kinase, DNA-activated, catalytic subunit; minus strand). Cytogenetic location: 8q11.21.
Variant type: single nucleotide variant.
Coding change: c.10909G>A on transcript NM_006904.7 (MANE Select); coding-DNA position 10909, G replaced by A.
Protein change: p.Gly3637Arg; replaces glycine 3637 with arginine.
Molecular consequence: missense variant.
Genome position (GRCh38, 1-based): chr8:47,785,311, C>T on the plus strand (G>A on the coding strand, the complement: PRKDC is on the minus strand). VCF-style: chr8-47785311-C-T. GRCh37 (hg19) VCF-style: chr8-48697872-C-T.
Other names: c.10909G>A, p.Gly3637Arg (NM_001081640.2); short protein forms G3637R.
Identifiers: ClinVar variation 1789126 (VCV001789126.2), dbSNP rs2551860924, ClinGen allele CA371131438.

ClinVar aggregate classification (germline): Uncertain significance (1 of 4 stars; one submission).

Submission:

Ambry Genetics
Classification: Uncertain significance. Last evaluated: 2021-07-31. Review status: criteria provided, single submitter. Criteria: Ambry Variant Classification Scheme 2023. Collection method: clinical testing. Allele origin: germline.
Comment: The p.G3637R variant (also known as c.10909G>A), located in coding exon 77 of the PRKDC gene, results from a G to A substitution at nucleotide position 10909. The glycine at codon 3637 is replaced by arginine, an amino acid with dissimilar properties. This amino acid position is conserved. In addition, this alteration is predicted to be deleterious by in silico analysis. Since supporting evidence is limited at this time, the clinical significance of this alteration remains unclear.